The following is an entry in ClinVar:

ClinVar aggregate classification (germline): Uncertain significance (1 of 4 stars; one submission).

Conditions:
Kabuki syndrome. Also called: Kabuki make-up syndrome; NIIKAWA-KUROKI SYNDROME. Identifiers: Orphanet 2322, MedGen C0796004, MONDO:0016512.

Submission:

Labcorp Genetics (formerly Invitae), Labcorp
Classification: Uncertain significance for Kabuki syndrome. Last evaluated: 2023-07-07. Review status: criteria provided, single submitter. Criteria: Invitae Variant Classification Sherloc (09022015). Collection method: clinical testing. Allele origin: germline.
Comment: This variant, c.1364_1390dup, results in the insertion of 9 amino acid(s) of the KMT2D protein (p.Glu455_Glu463dup), but otherwise preserves the integrity of the reading frame. This variant is not present in population databases (gnomAD no frequency). This variant has not been reported in the literature in individuals affected with KMT2D-related conditions. Experimental studies and prediction algorithms are not available or were not evaluated, and the functional significance of this variant is currently unknown. In summary, the available evidence is currently insufficient to determine the role of this variant in disease. Therefore, it has been classified as a Variant of Uncertain Significance.

NM_003482.4(KMT2D):c.1364_1390dup (p.Glu463_Ala464insGluSerProThrSerProProProGlu)

Gene: KMT2D (lysine methyltransferase 2D; minus strand). Cytogenetic location: 12q13.12.
Variant type: Duplication.
Coding change: c.1364_1390dup on transcript NM_003482.4 (MANE Select); coding-DNA positions 1364 to 1390, 27 bases duplicated (AATCACCCACGTCCCCACCACCTGAGG).
Protein change: p.Glu463_Ala464insGluSerProThrSerProProProGlu.
Molecular consequence: inframe insertion.
Genome position (GRCh38, 1-based): chr12:49,052,293-49,052,319, CCTCAGGTGGTGGGGACGTGGGTGATT duplicated on the plus strand (AATCACCCACGTCCCCACCACCTGAGG on the coding strand, the reverse complement: KMT2D is on the minus strand); duplicating any 27 consecutive bases within chr12:49,052,293-49,052,336 gives the same sequence; the c. name uses the placement nearest the transcript's 3' end. VCF-style (leftmost placement, unchanged base first): chr12-49052292-G-GCCTCAGGTGGTGGGGACGTGGGTGATT. GRCh37 (hg19) VCF-style: chr12-49446075-G-GCCTCAGGTGGTGGGGACGTGGGTGATT.
Identifiers: ClinVar variation 3006012 (VCV003006012.3), dbSNP rs764364594, ClinGen allele CA2618611084.
Genomic context (GRCh38, chr12:49,052,292, plus strand): 5'-TGCAATGCCTCAGGAAGTGGGGATGCGGGCAATTCCTCAGGTGGTGGTGACAGGCGTGAT[G>GCCTCAGGTGGTGGGGACGTGGGTGATT]CCTCAGGTGGTGGGGACGTGGGTGATTCCTCAGGTGGTGGGGACAGGGGTGACTCCTCAG-3'